The following is an entry in ClinVar:

ClinVar aggregate classification (germline): Benign/Likely benign. Review status: criteria provided, multiple submitters, no conflicts (2 of 4 stars). 2 submissions from 2 submitters: Benign (1); Likely benign (1). Last evaluated 2024-07-03.

Conditions:
Oligodontia-cancer predisposition syndrome. Also called: TOOTH AGENESIS-COLORECTAL CANCER SYNDROME. Identifiers: Orphanet 300576, MedGen C1837750, MONDO:0012075, OMIM 608615. Disease mechanism: loss of function.

Allele frequency attached by ClinVar (database versions not stated): gnomAD exomes below 0.00001.
gnomAD v4.1: 1 of 1,613,668 alleles (0.000062%); highest among the groups gnomAD compares: Non-Finnish European, 0.000085%; no homozygotes.

Submissions (2):

Myriad Genetics, Inc.
Classification: Benign for Oligodontia-cancer predisposition syndrome. Last evaluated: 2024-07-03. Review status: criteria provided, single submitter. Criteria: Myriad Autosomal Dominant, Autosomal Recessive and X-Linked Classification Criteria (2023). Collection method: clinical testing. Allele origin: unknown.
Comment: This variant is considered benign. This variant is a silent/synonymous amino acid change and it is not expected to impact splicing.

Labcorp Genetics (formerly Invitae), Labcorp
Classification: Likely benign for Oligodontia-cancer predisposition syndrome. Last evaluated: 2022-12-15. Review status: criteria provided, single submitter. Criteria: Invitae Variant Classification Sherloc (09022015). Collection method: clinical testing. Allele origin: germline.

NM_004655.4(AXIN2):c.1566T>C (p.His522=)

Gene: AXIN2 (axin 2; minus strand). Cytogenetic location: 17q24.1.
Variant type: single nucleotide variant.
Coding change: c.1566T>C on transcript NM_004655.4 (MANE Select); coding-DNA position 1566, T replaced by C.
Protein change: p.His522=; no amino-acid change (histidine 522 retained).
Molecular consequence: synonymous variant.
Genome position (GRCh38, 1-based): chr17:65,537,470, A>G on the plus strand (T>C on the coding strand, the complement: AXIN2 is on the minus strand). VCF-style: chr17-65537470-A-G. GRCh37 (hg19) VCF-style: chr17-63533588-A-G.
Other names: c.1566T>C, p.His522= (NM_001363813.1).
Identifiers: ClinVar variation 2072487 (VCV002072487.5), dbSNP rs2509412978, ClinGen allele CA501691264.